The following is an entry in ClinVar:

ClinVar aggregate classification (germline): Conflicting classifications of pathogenicity. Review status: criteria provided, conflicting classifications (1 of 4 stars). 2 submissions from 2 submitters: Uncertain significance (1); Likely benign (1). Last evaluated 2024-05-16.

gnomAD v4.1: 5 of 1,502,534 alleles (0.00033%); highest among the groups gnomAD compares: Non-Finnish European, 0.00044%; no homozygotes.

Submissions (2):

Labcorp Genetics (formerly Invitae), Labcorp
Classification: Uncertain significance. Last evaluated: 2024-05-16. Review status: criteria provided, single submitter. Criteria: Invitae Variant Classification Sherloc (09022015). Collection method: clinical testing. Allele origin: germline.
Comment: This sequence change replaces proline, which is neutral and non-polar, with alanine, which is neutral and non-polar, at codon 224 of the ARID1A protein (p.Pro224Ala). This variant is not present in population databases (gnomAD no frequency). This variant has not been reported in the literature in individuals affected with ARID1A-related conditions. ClinVar contains an entry for this variant (Variation ID: 377497). Advanced modeling of protein sequence and biophysical properties (such as structural, functional, and spatial information, amino acid conservation, physicochemical variation, residue mobility, and thermodynamic stability) performed at Invitae indicates that this missense variant is not expected to disrupt ARID1A protein function with a negative predictive value of 95%. In summary, the available evidence is currently insufficient to determine the role of this variant in disease. Therefore, it has been classified as a Variant of Uncertain Significance.

GeneDx
Classification: Likely benign. Last evaluated: 2015-08-21. Review status: criteria provided, single submitter. Criteria: GeneDx Variant Classification (06012015). Collection method: clinical testing. Allele origin: germline. Affected: yes.
Comment: This variant is considered likely benign or benign based on one or more of the following criteria: it is a conservative change, it occurs at a poorly conserved position in the protein, it is predicted to be benign by multiple in silico algorithms, and/or has population frequency not consistent with disease.

NM_006015.6(ARID1A):c.670C>G (p.Pro224Ala)

Genes: ARID1A (AT-rich interaction domain 1A; plus strand), LOC129929837 (ATAC-STARR-seq lymphoblastoid silent region 489; plus strand). Cytogenetic location: 1p36.11.
Variant type: single nucleotide variant.
Coding change: c.670C>G on transcript NM_006015.6 (MANE Select); coding-DNA position 670, C replaced by G.
Protein change: p.Pro224Ala; replaces proline 224 with alanine.
Molecular consequence: missense variant.
Genome position (GRCh38, 1-based): chr1:26,697,073, C>G. VCF-style: chr1-26697073-C-G. GRCh37 (hg19) VCF-style: chr1-27023564-C-G.
Other names: c.670C>G, p.Pro224Ala (NM_139135.4); c.670C>G (LRG_875t1); short protein forms P224A.
Identifiers: ClinVar variation 377497 (VCV000377497.3), dbSNP rs1057520224, ClinGen allele CA16603611.